The following is an entry in ClinVar:

ClinVar aggregate classification (germline): Uncertain significance (1 of 4 stars; one submission).

gnomAD v4.1: 1 of 1,614,004 alleles (0.000062%); highest among the groups gnomAD compares: African/African-American, 0.0013%; no homozygotes.

Submission:

Ambry Genetics
Classification: Uncertain significance. Last evaluated: 2024-08-12. Review status: criteria provided, single submitter. Criteria: Ambry Variant Classification Scheme 2023. Collection method: clinical testing. Allele origin: germline.
Comment: The p.D465H variant (also known as c.1393G>C), located in coding exon 8 of the GALNT12 gene, results from a G to C substitution at nucleotide position 1393. The aspartic acid at codon 465 is replaced by histidine, an amino acid with similar properties. This amino acid position is conserved. In addition, this alteration is predicted to be tolerated by in silico analysis. Based on the available evidence, the clinical significance of this variant remains unclear.

NM_024642.5(GALNT12):c.1393G>C (p.Asp465His)

Gene: GALNT12 (polypeptide N-acetylgalactosaminyltransferase 12; plus strand). Cytogenetic location: 9q22.33.
Variant type: single nucleotide variant.
Coding change: c.1393G>C on transcript NM_024642.5 (MANE Select); coding-DNA position 1393, G replaced by C.
Protein change: p.Asp465His; replaces aspartic acid 465 with histidine.
Molecular consequence: missense variant.
Genome position (GRCh38, 1-based): chr9:98,844,144, G>C. VCF-style: chr9-98844144-G-C. GRCh37 (hg19) VCF-style: chr9-101606426-G-C.
Other names: short protein forms D465H.
Identifiers: ClinVar variation 3518466 (VCV003518466.1).